The following is an entry in ClinVar:

NM_181882.3(PRX):c.580C>T (p.Arg194Cys)

Gene: PRX (periaxin; minus strand). Cytogenetic location: 19q13.2.
Variant type: single nucleotide variant.
Coding change: c.580C>T on transcript NM_181882.3 (MANE Select); coding-DNA position 580, C replaced by T.
Protein change: p.Arg194Cys; replaces arginine 194 with cysteine.
Molecular consequence: missense variant. On other transcripts: 3 prime UTR variant (1).
Genome position (GRCh38, 1-based): chr19:40,397,772, G>A on the plus strand (C>T on the coding strand, the complement: PRX is on the minus strand). VCF-style: chr19-40397772-G-A. GRCh37 (hg19) VCF-style: chr19-40903679-G-A.
Other names: c.*785C>T (NM_020956.2); short protein forms R194C.
Identifiers: ClinVar variation 476978 (VCV000476978.16), dbSNP rs45521038, ClinGen allele CA9444426.
Genomic context (GRCh38, chr19:40,397,772, plus strand): 5'-GGGGAGGAGCGGCGGCGGCCAGCCGGGCTGCCTGAGCCTCTTCGGCCACTTCTCGTACAC[G>A]CAGCCGAGGCAGCTGGAGGCGCCGGCGGGCAGGGGCAGCCGGGACAGGACCCTTGACAGC-3'
Protein context (NP_870998.2, residues 184-204): ARRRLQLPRL[Arg194Cys]VREVAEEAQA

ClinVar aggregate classification (germline): Likely benign. Review status: criteria provided, multiple submitters, no conflicts (2 of 4 stars). 4 submissions from 4 submitters: Likely benign (4). Last evaluated 2026-01-14.

Conditions:
PRX-related disorder. Also called: PRX-related condition; PRX-Related Disorders.
Inborn genetic diseases. Identifiers: MedGen C0950123, MeSH D030342.
Charcot-Marie-Tooth disease type 4. Also called: Charcot-Marie-Tooth disease, type IV; Charcot-Marie-Tooth, Type 4. Identifiers: Orphanet 64749, MedGen C4082197, MONDO:0018995.

Allele frequency attached by ClinVar (database versions not stated): gnomAD exomes 0.00023; ESP Exome Variant Server 0.00033; 1000 Genomes Project 0.00040; ExAC 0.00049; 1000 Genomes Project 30x 0.00078; gnomAD 0.00098 and 0.00109; TOPMed 0.00110.
gnomAD v4.1: 290 of 1,567,666 alleles (0.018%); highest among the groups gnomAD compares: African/African-American, 0.36%; 1 homozygote.

Submissions (4):

Labcorp Genetics (formerly Invitae), Labcorp
Classification: Likely benign for Charcot-Marie-Tooth disease type 4. Last evaluated: 2026-01-14. Review status: criteria provided, single submitter. Criteria: Invitae Variant Classification Sherloc (09022015). Collection method: clinical testing. Allele origin: germline.

PreventionGenetics, part of Exact Sciences
Classification: Likely benign for PRX-related condition. Last evaluated: 2025-06-02. Review status: criteria provided, single submitter. Criteria: ACMG Guidelines, 2015. Collection method: clinical testing. Allele origin: germline.
Comment: This variant is classified as likely benign based on ACMG/AMP sequence variant interpretation guidelines (Richards et al. 2015 PMID: 25741868, with internal and published modifications).

ARUP Laboratories, Molecular Genetics and Genomics, ARUP Laboratories
Classification: Likely benign. Last evaluated: 2024-02-14. Review status: criteria provided, single submitter. Criteria: ARUP Molecular Germline Variant Investigation Process 2024. Collection method: clinical testing. Allele origin: germline.

Ambry Genetics
Classification: Likely benign for Inborn genetic diseases. Last evaluated: 2021-04-19. Review status: criteria provided, single submitter. Criteria: Ambry Variant Classification Scheme 2023. Collection method: clinical testing. Allele origin: germline.